The following is an entry in ClinVar:

NM_145059.3(FCSK):c.3249C>G (p.Phe1083Leu)

Gene: FCSK (fucose kinase; plus strand). Cytogenetic location: 16q22.1.
Variant type: single nucleotide variant.
Coding change: c.3249C>G on transcript NM_145059.3 (MANE Select); coding-DNA position 3249, C replaced by G.
Protein change: p.Phe1083Leu; replaces phenylalanine 1083 with leucine.
Molecular consequence: missense variant.
Genome position (GRCh38, 1-based): chr16:70,479,674, C>G. VCF-style: chr16-70479674-C-G. GRCh37 (hg19) VCF-style: chr16-70513577-C-G.
Other names: short protein forms F1083L.
Identifiers: ClinVar variation 1947620 (VCV001947620.5), dbSNP rs748150107, ClinGen allele CA8143927.

ClinVar aggregate classification (germline): Uncertain significance (1 of 4 stars; one submission).

Allele frequency attached by ClinVar (database versions not stated): TOPMed 0.00001.
gnomAD v4.1: 4 of 1,613,536 alleles (0.00025%); highest among the groups gnomAD compares: Admixed American, 0.005%; no homozygotes.

Submission:

Labcorp Genetics (formerly Invitae), Labcorp
Classification: Uncertain significance. Last evaluated: 2024-12-09. Review status: criteria provided, single submitter. Criteria: Invitae Variant Classification Sherloc (09022015). Collection method: clinical testing. Allele origin: germline.
Comment: This sequence change replaces phenylalanine, which is neutral and non-polar, with leucine, which is neutral and non-polar, at codon 1083 of the FUK protein (p.Phe1083Leu). This variant is present in population databases (rs748150107, gnomAD 0.009%). This variant has not been reported in the literature in individuals affected with FUK-related conditions. ClinVar contains an entry for this variant (Variation ID: 1947620). An algorithm developed to predict the effect of missense changes on protein structure and function outputs the following: PolyPhen-2: "Benign". The leucine amino acid residue is found in multiple mammalian species, which suggests that this missense change does not adversely affect protein function. In summary, the available evidence is currently insufficient to determine the role of this variant in disease. Therefore, it has been classified as a Variant of Uncertain Significance.